The following is an entry in ClinVar:

NM_001330260.2(SCN8A):c.4613C>A (p.Thr1538Lys)

Gene: SCN8A (sodium voltage-gated channel alpha subunit 8; plus strand). Cytogenetic location: 12q13.13.
Variant type: single nucleotide variant.
Coding change: c.4613C>A on transcript NM_001330260.2 (MANE Select); coding-DNA position 4613, C replaced by A.
Protein change: p.Thr1538Lys; replaces threonine 1538 with lysine.
Molecular consequence: missense variant.
Genome position (GRCh38, 1-based): chr12:51,794,459, C>A. VCF-style: chr12-51794459-C-A. GRCh37 (hg19) VCF-style: chr12-52188243-C-A.
Other names: c.4490C>A, p.Thr1497Lys (NM_001177984.3, NM_001369788.1); c.4613C>A, p.Thr1538Lys (NM_014191.4); short protein forms T1538K, T1497K.
Identifiers: ClinVar variation 1346826 (VCV001346826.7), dbSNP rs2138919240, ClinGen allele CA384878861.

ClinVar aggregate classification (germline): Pathogenic (1 of 4 stars; one submission).

Conditions:
Early-infantile DEE. Also called: Early infantile epileptic encephalopathy with suppression bursts; Ohtahara syndrome; Early infantile epileptic encephalopathy. Identifiers: Orphanet 1934, MedGen C0393706, MONDO:0800491.

Submission:

Labcorp Genetics (formerly Invitae), Labcorp
Classification: Pathogenic for Early-infantile DEE. Last evaluated: 2025-10-27. Review status: criteria provided, single submitter. Criteria: Invitae Variant Classification Sherloc (09022015). Collection method: clinical testing. Allele origin: germline.
Comment: This sequence change replaces threonine, which is neutral and polar, with lysine, which is basic and polar, at codon 1538 of the SCN8A protein (p.Thr1538Lys). This variant is not present in population databases (gnomAD no frequency). This missense change has been observed in individual(s) with clinical features of SCN8A-related conditions (internal data). In at least one individual the variant was observed to be de novo. ClinVar contains an entry for this variant (Variation ID: 1346826). Invitae Evidence Modeling of protein sequence and biophysical properties (such as structural, functional, and spatial information, amino acid conservation, physicochemical variation, residue mobility, and thermodynamic stability) indicates that this missense variant is expected to disrupt SCN8A protein function with a positive predictive value of 95%. For these reasons, this variant has been classified as Pathogenic.